The following is an entry in ClinVar:

ClinVar aggregate classification (germline): Uncertain significance (1 of 4 stars; one submission).

gnomAD v4.1: 2 of 1,537,482 alleles (0.00013%); highest among the groups gnomAD compares: Non-Finnish European, 0.00018%; no homozygotes.

Submission:

Labcorp Genetics (formerly Invitae), Labcorp
Classification: Uncertain significance. Last evaluated: 2022-03-18. Review status: criteria provided, single submitter. Criteria: Invitae Variant Classification Sherloc (09022015). Collection method: clinical testing. Allele origin: germline.
Comment: This sequence change falls in intron 33 of the COL9A1 gene. It does not directly change the encoded amino acid sequence of the COL9A1 protein. This variant is present in population databases (no rsID available, gnomAD 0.007%). This variant has not been reported in the literature in individuals affected with COL9A1-related conditions. Algorithms developed to predict the effect of sequence changes on RNA splicing suggest that this variant may disrupt the consensus splice site. In summary, the available evidence is currently insufficient to determine the role of this variant in disease. Therefore, it has been classified as a Variant of Uncertain Significance.

NM_001851.6(COL9A1):c.2112+8T>A

Gene: COL9A1 (collagen type IX alpha 1 chain; minus strand). Cytogenetic location: 6q13.
Variant type: single nucleotide variant.
Coding change: c.2112+8T>A on transcript NM_001851.6 (MANE Select); 8 bases into the intron after coding-DNA position 2112, T replaced by A.
Molecular consequence: intron variant.
Genome position (GRCh38, 1-based): chr6:70,239,246, A>T on the plus strand (T>A on the coding strand, the complement: COL9A1 is on the minus strand). VCF-style: chr6-70239246-A-T. GRCh37 (hg19) VCF-style: chr6-70948949-A-T.
Other names: c.1383+8T>A (NM_001377290.1, NM_078485.4); c.1413+8T>A (NM_001377289.1).
Identifiers: ClinVar variation 1487135 (VCV001487135.3), dbSNP rs766377239, ClinGen allele CA567642963.